The following is an entry in ClinVar:

NM_201384.3(PLEC):c.12976A>T (p.Thr4326Ser)

Gene: PLEC (plectin; minus strand). Cytogenetic location: 8q24.3.
Variant type: single nucleotide variant.
Coding change: c.12976A>T on transcript NM_201384.3 (MANE Select); coding-DNA position 12976, A replaced by T.
Protein change: p.Thr4326Ser; replaces threonine 4326 with serine.
Molecular consequence: missense variant.
Genome position (GRCh38, 1-based): chr8:143,916,845, T>A on the plus strand (A>T on the coding strand, the complement: PLEC is on the minus strand). VCF-style: chr8-143916845-T-A. GRCh37 (hg19) VCF-style: chr8-144991013-T-A.
Other names: c.13057A>T, p.Thr4353Ser (NM_000445.5); c.9676A>T, p.Thr3226Ser (NM_001410941.1); c.12934A>T, p.Thr4312Ser (NM_201378.4); c.12910A>T, p.Thr4304Ser (NM_201379.3); c.13387A>T, p.Thr4463Ser (NM_201380.4); c.12880A>T, p.Thr4294Ser (NM_201381.3); c.12976A>T, p.Thr4326Ser (NM_201382.4); c.12988A>T, p.Thr4330Ser (NM_201383.3); short protein forms T3226S, T4294S, T4304S, T4312S, T4326S, T4330S, T4353S, T4463S.
Identifiers: ClinVar variation 3748848 (VCV003748848.2).
Genomic context (GRCh38, chr8:143,916,845, plus strand): 5'-CCATGATCTTGTCCACCAGGCCCTTGTTGACGGCGTCGGTGACAGGGAAGCGCTCACCGG[T>A]GCTGGGGTCGATGATGCCCCCGGTGCAGGCCTGCGCCTCCAGCAGCCGCTGCCCCGTGAT-3'
Protein context (NP_958786.1, residues 4316-4336): ACTGGIIDPS[Thr4326Ser]GERFPVTDAV

ClinVar aggregate classification (germline): Uncertain significance (1 of 4 stars; one submission).

Conditions:
Epidermolysis bullosa simplex with nail dystrophy (EBS5D). Identifiers: MedGen C4225309, MONDO:0014661, OMIM 616487.
Autosomal recessive limb-girdle muscular dystrophy type 2Q (LGMDR17). Also called: MUSCULAR DYSTROPHY, LIMB-GIRDLE, AUTOSOMAL RECESSIVE 17. Identifiers: Orphanet 254361, MedGen C3150989, MONDO:0013390, OMIM 613723.
Epidermolysis bullosa simplex 5B, with muscular dystrophy (EBS5B). Also called: Epidermolysis bullosa simplex with muscular dystrophy; EPIDERMOLYSIS BULLOSA SIMPLEX AND LIMB-GIRDLE MUSCULAR DYSTROPHY. Identifiers: Orphanet 257, MedGen C2931072, MONDO:0009181, OMIM 226670.
Epidermolysis bullosa simplex 5C, with pyloric atresia (EBS5C). Also called: PLEC-Related Epidermolysis Bullosa with Pyloric Atresia; Epidermolysis bullosa simplex with pyloric atresia; PLEC1-Related Epidermolysis Bullosa with Pyloric Atresia. Identifiers: Orphanet 158684, MedGen C2677349, MONDO:0012807, OMIM 612138.
Epidermolysis bullosa simplex, Ogna type (EBS5A). Also called: Pidermolysis bullosa simplex 5A, Ogna type; EPIDERMOLYSIS BULLOSA SIMPLEX 5A, OGNA TYPE. Identifiers: Orphanet 79401, MedGen C0432317, MONDO:0007555, OMIM 131950.

gnomAD v4.1: 1 of 1,612,354 alleles (0.000062%); no homozygotes.

Submission:

Labcorp Genetics (formerly Invitae), Labcorp
Classification: Uncertain significance for Autosomal recessive limb-girdle muscular dystrophy type 2Q; Epidermolysis bullosa simplex, Ogna type; Epidermolysis bullosa simplex with nail dystrophy; Epidermolysis bullosa simplex 5C, with pyloric atresia; Epidermolysis bullosa simplex 5B, with muscular dystrophy. Last evaluated: 2024-04-03. Review status: criteria provided, single submitter. Criteria: Invitae Variant Classification Sherloc (09022015). Collection method: clinical testing. Allele origin: germline.
Comment: This sequence change replaces threonine, which is neutral and polar, with serine, which is neutral and polar, at codon 4353 of the PLEC protein (p.Thr4353Ser). This variant is not present in population databases (gnomAD no frequency). This variant has not been reported in the literature in individuals affected with PLEC-related conditions. Advanced modeling of protein sequence and biophysical properties (such as structural, functional, and spatial information, amino acid conservation, physicochemical variation, residue mobility, and thermodynamic stability) performed at Invitae indicates that this missense variant is not expected to disrupt PLEC protein function with a negative predictive value of 80%. In summary, the available evidence is currently insufficient to determine the role of this variant in disease. Therefore, it has been classified as a Variant of Uncertain Significance.